The following is an entry in ClinVar:

ClinVar aggregate classification (germline): Uncertain significance (1 of 4 stars; one submission).

Conditions:
Ataxia-telangiectasia syndrome (AT). Also called: Cerebello-oculocutaneous telangiectasia; Immunodeficiency with ataxia telangiectasia; LOUIS-BAR SYNDROME; Ataxia-telangiectasia, complementation group D; AT, COMPLEMENTATION GROUP C; Ataxia-telangiectasia. Identifiers: Orphanet 100, MedGen C0004135, MONDO:0008840, OMIM 208900.

Submission:

Labcorp Genetics (formerly Invitae), Labcorp
Classification: Uncertain significance for Ataxia-telangiectasia syndrome. Last evaluated: 2022-04-24. Review status: criteria provided, single submitter. Criteria: Invitae Variant Classification Sherloc (09022015). Collection method: clinical testing. Allele origin: germline.
Comment: In summary, the available evidence is currently insufficient to determine the role of this variant in disease. Therefore, it has been classified as a Variant of Uncertain Significance. RNA analysis performed to evaluate the impact of this missense change on mRNA splicing indicates it does not significantly alter splicing (Invitae). Advanced modeling of protein sequence and biophysical properties (such as structural, functional, and spatial information, amino acid conservation, physicochemical variation, residue mobility, and thermodynamic stability) performed at Invitae indicates that this missense variant is not expected to disrupt ATM protein function. This variant has not been reported in the literature in individuals affected with ATM-related conditions. This variant is not present in population databases (gnomAD no frequency). This sequence change replaces serine, which is neutral and polar, with arginine, which is basic and polar, at codon 99 of the ATM protein (p.Ser99Arg).

NM_000051.4(ATM):c.297T>G (p.Ser99Arg)

Gene: ATM (ATM serine/threonine kinase; plus strand). Cytogenetic location: 11q22.3.
Variant type: single nucleotide variant.
Coding change: c.297T>G on transcript NM_000051.4 (MANE Select); coding-DNA position 297, T replaced by G.
Protein change: p.Ser99Arg; replaces serine 99 with arginine.
Molecular consequence: missense variant.
Genome position (GRCh38, 1-based): chr11:108,229,289, T>G. VCF-style: chr11-108229289-T-G. GRCh37 (hg19) VCF-style: chr11-108100016-T-G.
Other names: c.297T>G, p.Ser99Arg (NM_001351834.2, NM_001351835.2, NM_001351836.2); short protein forms S99R.
Identifiers: ClinVar variation 2195552 (VCV002195552.4), dbSNP rs2135037048, ClinGen allele CA382521731.